The following is an entry in ClinVar:

ClinVar aggregate classification (germline): Pathogenic. Review status: criteria provided, multiple submitters, no conflicts (2 of 4 stars). 2 submissions from 2 submitters: Pathogenic (2). Last evaluated 2024-08-21.

Conditions:
Holt-Oram syndrome (HOS). Also called: Ventriculo-radial syndrome; Cardiac-limb syndrome; Heart-hand syndrome, type 1; TBX5-Related Holt-Oram Syndrome. Identifiers: Orphanet 392, MedGen C0265264, MONDO:0007732, OMIM 142900.

Submissions (2):

3billion
Classification: Pathogenic for Holt-Oram syndrome. Last evaluated: 2024-08-21. Review status: criteria provided, single submitter. Criteria: ACMG Guidelines, 2015. Collection method: clinical testing. Allele origin: germline. Affected: yes.
Comment: The variant is not observed in the gnomAD v4.0.0 dataset. Predicted Consequence/Location: Stop-gained (nonsense): predicted to result in a loss or disruption of normal protein function through nonsense-mediated decay (NMD) or protein truncation. Multiple pathogenic variants are reported downstream of the variant. The variant has been reported to be associated with TBX5 related disorder (ClinVar ID: VCV002575756 /PMID: 16917909). Therefore, this variant is classified as Pathogenic according to the recommendation of ACMG/AMP guideline.

GeneDx
Classification: Pathogenic. Last evaluated: 2023-02-24. Review status: criteria provided, single submitter. Criteria: GeneDx Variant Classification Process June 2021. Collection method: clinical testing. Allele origin: germline. Affected: yes.
Comment: Nonsense variant predicted to result in protein truncation or nonsense mediated decay in a gene for which loss of function is a known mechanism of disease; Not observed at significant frequency in large population cohorts (gnomAD); This variant is associated with the following publications: (PMID: 25525159, 16917909)

Literature cited by the submitters: PubMed 16917909 (cited by 3billion).

NM_181486.4(TBX5):c.873C>A (p.Tyr291Ter)

Gene: TBX5 (T-box transcription factor 5; minus strand). Cytogenetic location: 12q24.21.
Variant type: single nucleotide variant.
Coding change: c.873C>A on transcript NM_181486.4 (MANE Select); coding-DNA position 873, C replaced by A.
Protein change: p.Tyr291Ter; replaces tyrosine 291 with a stop codon.
Molecular consequence: nonsense.
Genome position (GRCh38, 1-based): chr12:114,366,274, G>T on the plus strand (C>A on the coding strand, the complement: TBX5 is on the minus strand). VCF-style: chr12-114366274-G-T. GRCh37 (hg19) VCF-style: chr12-114804079-G-T.
Other names: c.873C>A, p.Tyr291Ter (NM_000192.3); c.723C>A, p.Tyr241Ter (NM_080717.4); short protein forms Y241*, Y291*.
Identifiers: ClinVar variation 2575756 (VCV002575756.2), dbSNP rs2540436280, ClinGen allele CA386926448.